The following is an entry in ClinVar:

ClinVar aggregate classification (germline): Conflicting classifications of pathogenicity. Review status: criteria provided, conflicting classifications (1 of 4 stars). 2 submissions from 2 submitters: Uncertain significance (1); Likely benign (1). Last evaluated 2023-03-23.

Conditions:
Hereditary cancer-predisposing syndrome. Also called: Tumor predisposition; Neoplastic Syndromes, Hereditary; Hereditary Cancer Syndrome; Hereditary neoplastic syndrome. Identifiers: Orphanet 140162, MedGen C0027672, MeSH D009386, MONDO:0015356.

Submissions (2):

University of Washington Department of Laboratory Medicine, University of Washington
Classification: Likely benign for Hereditary cancer-predisposing syndrome. Last evaluated: 2023-03-23. Review status: criteria provided, single submitter. Criteria: Dines et al. (Genet Med. 2020). Collection method: curation. Allele origin: germline.
Comment: Missense variant in a coldspot region where missense variants are very unlikely to be pathogenic (PMID:31911673).

BRCA1 coldspot (exon 11 using historical exon numbering). Reclassification based on statistical prior probability

GeneDx
Classification: Uncertain significance. Last evaluated: 2019-09-10. Review status: criteria provided, single submitter. Criteria: GeneDx Variant Classification Process June 2021. Collection method: clinical testing. Allele origin: germline. Affected: yes.
Comment: Not observed in large population cohorts (Lek et al., 2016); Has not been previously published as pathogenic or benign to our knowledge; In silico analysis, which includes protein predictors and evolutionary conservation, supports a deleterious effect; Also known as BRCA1 1410T>G

NM_007294.4(BRCA1):c.1291T>G (p.Leu431Val)

Gene: BRCA1 (BRCA1 DNA repair associated; minus strand). Cytogenetic location: 17q21.31.
Variant type: single nucleotide variant.
Coding change: c.1291T>G on transcript NM_007294.4 (MANE Select); coding-DNA position 1291, T replaced by G.
Protein change: p.Leu431Val; replaces leucine 431 with valine.
Molecular consequence: missense variant. On other transcripts: intron variant (137).
Genome position (GRCh38, 1-based): chr17:43,094,240, A>C on the plus strand (T>G on the coding strand, the complement: BRCA1 is on the minus strand). VCF-style: chr17-43094240-A-C. GRCh37 (hg19) VCF-style: chr17-41246257-A-C.
Other names: c.1288T>G, p.Leu430Val (NM_001407627.1, NM_001407628.1, NM_001407629.1 and 22 more transcripts); c.1291T>G, p.Leu431Val (NM_001407639.1, NM_001407642.1, NM_001407640.1 and 30 more transcripts); c.1282T>G, p.Leu428Val (NM_001407646.1, NM_001407647.1); c.1168T>G, p.Leu390Val (NM_001407648.1, NM_001407666.1, NM_001407667.1 and 19 more transcripts); c.1165T>G, p.Leu389Val (NM_001407649.1, NM_001407670.1, NM_001407671.1 and 11 more transcripts); c.1150T>G, p.Leu384Val (NM_001407692.1, NM_001407694.1, NM_001407695.1 and 29 more transcripts); c.1147T>G, p.Leu383Val (NM_001407740.1, NM_001407741.1, NM_001407742.1 and 20 more transcripts); c.1078T>G, p.Leu360Val (NM_001407853.1, NM_001407894.1, NM_001407895.1 and 9 more transcripts); and 40 more; short protein forms L384V, L431V, L304V, L360V, L364V, L383V, L405V, L320V.
Identifiers: ClinVar variation 1303574 (VCV001303574.5), dbSNP rs960381964, ClinGen allele CA10599471.